The following is an entry in ClinVar:

NM_000540.3(RYR1):c.8541+54A>G

Genes: RYR1 (ryanodine receptor 1; plus strand), LOC126862902 (BRD4-independent group 4 enhancer GRCh37_chr19:38995830-38997029; plus strand). Cytogenetic location: 19q13.2.
Variant type: single nucleotide variant.
Coding change: c.8541+54A>G on transcript NM_000540.3 (MANE Select); 54 bases into the intron after coding-DNA position 8541, A replaced by G.
Molecular consequence: intron variant.
Genome position (GRCh38, 1-based): chr19:38,506,000, A>G. VCF-style: chr19-38506000-A-G. GRCh37 (hg19) VCF-style: chr19-38996640-A-G.
Other names: c.8541+54A>G (NM_001042723.2).
Identifiers: ClinVar variation 133229 (VCV000133229.3), dbSNP rs2915954, ClinGen allele CA024930.

ClinVar aggregate classification (germline): Benign. Review status: criteria provided, multiple submitters, no conflicts (2 of 4 stars). 3 submissions from 3 submitters: Benign (2). 1 of the submissions does not count toward it. Last evaluated 2018-06-14.

Allele frequency attached by ClinVar (database versions not stated): gnomAD exomes 0.24821; gnomAD 0.31832 and 0.32411; TOPMed 0.33246; 1000 Genomes Project 30x 0.40162; 1000 Genomes Project 0.40595.
gnomAD v4.1: 379,965 of 1,479,342 alleles (26%); highest among the groups gnomAD compares: South Asian, 44%; 60,377 homozygotes.

Submissions (3):

GeneDx
Classification: Benign. Last evaluated: 2018-06-14. Review status: criteria provided, single submitter. Criteria: GeneDx Variant Classification (06012015). Collection method: clinical testing. Allele origin: germline. Affected: yes.
Comment: This variant is considered likely benign or benign based on one or more of the following criteria: it is a conservative change, it occurs at a poorly conserved position in the protein, it is predicted to be benign by multiple in silico algorithms, and/or has population frequency not consistent with disease.

Breakthrough Genomics
Classification: Benign. Review status: criteria provided, single submitter. Criteria: ACMG Guidelines, 2015. Collection method: not provided. Allele origin: germline. Inheritance: Autosomal recessive inheritance. Affected: yes.

RYR1 database
No classification provided. Review status: no classification provided. Collection method: not provided. Allele origin: unknown. Not counted in ClinVar's aggregate classification.